The following is an entry in ClinVar:

ClinVar aggregate classification (germline): Uncertain significance (1 of 4 stars; one submission).

Conditions:
Hereditary nonpolyposis colorectal neoplasms. Identifiers: MedGen C0009405, MeSH D003123.

Allele frequency attached by ClinVar (database versions not stated): TOPMed below 0.00001.

Submission:

Labcorp Genetics (formerly Invitae), Labcorp
Classification: Uncertain significance for Hereditary nonpolyposis colorectal neoplasms. Last evaluated: 2022-04-13. Review status: criteria provided, single submitter. Criteria: Invitae Variant Classification Sherloc (09022015). Collection method: clinical testing. Allele origin: germline.
Comment: In summary, the available evidence is currently insufficient to determine the role of this variant in disease. Therefore, it has been classified as a Variant of Uncertain Significance. Advanced modeling of protein sequence and biophysical properties (such as structural, functional, and spatial information, amino acid conservation, physicochemical variation, residue mobility, and thermodynamic stability) performed at Invitae indicates that this missense variant is not expected to disrupt PMS2 protein function. This variant has not been reported in the literature in individuals affected with PMS2-related conditions. This variant is not present in population databases (gnomAD no frequency). This sequence change replaces aspartic acid, which is acidic and polar, with valine, which is neutral and non-polar, at codon 414 of the PMS2 protein (p.Asp414Val).

NM_000535.7(PMS2):c.1241A>T (p.Asp414Val)

Gene: PMS2 (PMS1 homolog 2, mismatch repair system component; minus strand). Cytogenetic location: 7p22.1.
Variant type: single nucleotide variant.
Coding change: c.1241A>T on transcript NM_000535.7 (MANE Select); coding-DNA position 1241, A replaced by T.
Protein change: p.Asp414Val; replaces aspartic acid 414 with valine.
Molecular consequence: missense variant. On other transcripts: non-coding transcript variant (1).
Genome position (GRCh38, 1-based): chr7:5,987,524, T>A on the plus strand (A>T on the coding strand, the complement: PMS2 is on the minus strand). VCF-style: chr7-5987524-T-A. GRCh37 (hg19) VCF-style: chr7-6027155-T-A.
Other names: c.836A>T, p.Asp279Val (NM_001018040.1, NM_001322003.2, NM_001322004.2 and 17 more transcripts); c.1085A>T, p.Asp362Val (NM_001322006.2, NM_001406870.1); c.923A>T, p.Asp308Val (NM_001322007.2, NM_001322008.2, NM_001406883.1 and 2 more transcripts); c.680A>T, p.Asp227Val (NM_001322010.2, NM_001406906.1, NM_001406907.1); c.308A>T, p.Asp103Val (NM_001322011.2, NM_001322012.2); c.668A>T, p.Asp223Val (NM_001322013.2, NM_001406909.1); c.1241A>T, p.Asp414Val (NM_001322014.2, NM_001406871.1, NM_001406872.1); c.932A>T, p.Asp311Val (NM_001322015.2, NM_001406880.1, NM_001406881.1 and 5 more transcripts); and 12 more; short protein forms D223V, D292V, D308V, D362V, D103V, D227V, D358V, D243V.
Identifiers: ClinVar variation 2125818 (VCV002125818.4), dbSNP rs1783161200, ClinGen allele CA366742495.